The following is an entry in ClinVar:

NM_004006.3(DMD):c.2852T>G (p.Ile951Ser)

Gene: DMD (dystrophin; minus strand). Cytogenetic location: Xp21.1.
Variant type: single nucleotide variant.
Coding change: c.2852T>G on transcript NM_004006.3 (MANE Select); coding-DNA position 2852, T replaced by G.
Protein change: p.Ile951Ser; replaces isoleucine 951 with serine.
Molecular consequence: missense variant.
Genome position (GRCh38, 1-based): chrX:32,472,261, A>C on the plus strand (T>G on the coding strand, the complement: DMD is on the minus strand). VCF-style: chrX-32472261-A-C. GRCh37 (hg19) VCF-style: chrX-32490378-A-C.
Other names: c.2828T>G, p.Ile943Ser (NM_000109.4); c.2840T>G, p.Ile947Ser (NM_004009.3); c.2483T>G, p.Ile828Ser (NM_004010.3); short protein forms I951S, I828S, I943S, I947S.
Identifiers: ClinVar variation 1355181 (VCV001355181.6), dbSNP rs2148485536, ClinGen allele CA412668179.
Genomic context (GRCh38, chrX:32,472,261, plus strand): 5'-TCGGTGACACTAAGTTGAGGTATGGAGAGTTTGGTTTCTGACTGCTGGACCCATGTCCTG[A>C]TGGCACTCATGGTCTCCTGATAGCGCATTGGTGGCAAAGTGTCAAAAACTTTATCAAAAG-3'
Protein context (NP_003997.2, residues 941-961): PMRYQETMSA[Ile951Ser]RTWVQQSETK

ClinVar aggregate classification (germline): Uncertain significance (1 of 4 stars; one submission).

Conditions:
Duchenne muscular dystrophy (DMD). Also called: MUSCULAR DYSTROPHY, PSEUDOHYPERTROPHIC PROGRESSIVE, DUCHENNE TYPE; Duchenne Muscular Dystrophy (DMD). Identifiers: Orphanet 98896, MedGen C0013264, MONDO:0010679, OMIM 310200.

Submission:

Labcorp Genetics (formerly Invitae), Labcorp
Classification: Uncertain significance for Duchenne muscular dystrophy. Last evaluated: 2022-03-25. Review status: criteria provided, single submitter. Criteria: Invitae Variant Classification Sherloc (09022015). Collection method: clinical testing. Allele origin: germline.
Comment: In summary, the available evidence is currently insufficient to determine the role of this variant in disease. Therefore, it has been classified as a Variant of Uncertain Significance. Algorithms developed to predict the effect of missense changes on protein structure and function are either unavailable or do not agree on the potential impact of this missense change (SIFT: "Tolerated"; PolyPhen-2: "Possibly Damaging"; Align-GVGD: "Class C0"). This variant has not been reported in the literature in individuals affected with DMD-related conditions. This variant is not present in population databases (gnomAD no frequency). This sequence change replaces isoleucine, which is neutral and non-polar, with serine, which is neutral and polar, at codon 951 of the DMD protein (p.Ile951Ser).